The following is an entry in ClinVar:

NM_002860.4(ALDH18A1):c.2225G>T (p.Ser742Ile)

Gene: ALDH18A1 (aldehyde dehydrogenase 18 family member A1; minus strand). Cytogenetic location: 10q24.1.
Variant type: single nucleotide variant.
Coding change: c.2225G>T on transcript NM_002860.4 (MANE Select); coding-DNA position 2225, G replaced by T.
Protein change: p.Ser742Ile; replaces serine 742 with isoleucine.
Molecular consequence: missense variant.
Genome position (GRCh38, 1-based): chr10:95,606,925, C>A on the plus strand (G>T on the coding strand, the complement: ALDH18A1 is on the minus strand). VCF-style: chr10-95606925-C-A. GRCh37 (hg19) VCF-style: chr10-97366682-C-A.
Other names: c.1886G>T, p.Ser629Ile (NM_001323418.2); c.1589G>T, p.Ser530Ile (NM_001323419.2); c.2219G>T, p.Ser740Ile (NM_001017423.2, NM_001323415.2); c.1892G>T, p.Ser631Ile (NM_001323412.2, NM_001323416.2); c.2225G>T, p.Ser742Ile (NM_001323413.2, NM_001323414.2); c.2120G>T, p.Ser707Ile (NM_001323417.2); short protein forms S629I, S740I, S707I, S631I, S742I, S530I.
Identifiers: ClinVar variation 1446152 (VCV001446152.8), dbSNP rs765567477, ClinGen allele CA5620103.

ClinVar aggregate classification (germline): Uncertain significance (1 of 4 stars; one submission).

Conditions:
Cutis laxa, autosomal dominant 3 (ADCL3). Identifiers: Orphanet 90348, MedGen C4225268, MONDO:0014706, OMIM 616603.
de Barsy syndrome. Also called: Cutis laxa-corneal clouding-oligophrenia syndrome. Identifiers: Orphanet 2962, MedGen C0268354, MONDO:0017569.
Autosomal dominant spastic paraplegia type 9. Identifiers: MedGen C1832669, MONDO:0015091.

Allele frequency attached by ClinVar (database versions not stated): gnomAD exomes below 0.00001; ExAC 0.00001.

Submission:

Labcorp Genetics (formerly Invitae), Labcorp
Classification: Uncertain significance for Autosomal dominant spastic paraplegia type 9; de Barsy syndrome; Cutis laxa, autosomal dominant 3. Last evaluated: 2020-11-27. Review status: criteria provided, single submitter. Criteria: Invitae Variant Classification Sherloc (09022015). Collection method: clinical testing. Allele origin: germline.
Comment: This sequence change replaces serine with isoleucine at codon 742 of the ALDH18A1 protein (p.Ser742Ile). The serine residue is highly conserved and there is a large physicochemical difference between serine and isoleucine. In summary, the available evidence is currently insufficient to determine the role of this variant in disease. Therefore, it has been classified as a Variant of Uncertain Significance. Algorithms developed to predict the effect of missense changes on protein structure and function are either unavailable or do not agree on the potential impact of this missense change (SIFT: "Deleterious"; PolyPhen-2: "Probably Damaging"; Align-GVGD: "Class C15"). This variant has been observed in individual(s) with autosomal recessive cutis laxa (PMID: 22411858). It has also been observed to segregate with disease in related individuals. This variant is present in population databases (rs765567477, ExAC 0.002%).

Literature cited by the submitters: PubMed 22411858.